The following is an entry in ClinVar:

ClinVar aggregate classification (germline): Benign. Review status: criteria provided, multiple submitters, no conflicts (2 of 4 stars). 4 submissions from 2 submitters: Benign (4). Last evaluated 2018-01-12.

Conditions:
Channelopathy-associated congenital insensitivity to pain, autosomal recessive. Also called: Insensitivity to pain, channelopathy-associated; ASYMBOLIA FOR PAIN; CONGENITAL ANALGESIA, AUTOSOMAL RECESSIVE. Identifiers: Orphanet 88642, Orphanet 970, MedGen C1855739, MONDO:0009459, OMIM 243000.
Paroxysmal extreme pain disorder (PEXPD). Also called: PAIN, SUBMANDIBULAR, OCULAR, AND RECTAL, WITH FLUSHING; RECTAL PAIN, FAMILIAL; SCN9A Paroxysmal Extreme Pain Disorder (SCN9A-PEPD). Identifiers: Orphanet 46348, MedGen C1833661, MONDO:0008179, OMIM 167400.
Primary erythromelalgia. Also called: SCN9A Erythromelalgia (SCN9A-EM); primary erythermalgia. Identifiers: Orphanet 306577, Orphanet 90026, MedGen C0014805, MONDO:0007571, OMIM 133020.

Allele frequency attached by ClinVar (database versions not stated): 1000 Genomes Project 0.08846; 1000 Genomes Project 30x 0.09400; gnomAD 0.10867 and 0.11196; TOPMed 0.10977; gnomAD exomes 0.14286.
gnomAD v4.1: 16,547 of 152,234 alleles (11%); highest among the groups gnomAD compares: African/African-American, 17%; 1,029 homozygotes.

Submissions (4):

Illumina Laboratory Services, Illumina
Classification: Benign for Primary erythromelalgia. Last evaluated: 2018-01-12. Review status: criteria provided, single submitter. Criteria: ICSL Variant Classification Criteria 13 December 2019. Collection method: clinical testing. Allele origin: germline.
Comment: This variant was observed in the ICSL laboratory as part of a predisposition screen in an ostensibly healthy population. It had not been previously curated by ICSL or reported in the Human Gene Mutation Database (HGMD: prior to June 1st, 2018), and was therefore a candidate for classification through an automated scoring system. Utilizing variant allele frequency, disease prevalence and penetrance estimates, and inheritance mode, an automated score was calculated to assess if this variant is too frequent to cause the disease. Based on the score and internal cut-off values, a variant classified as benign is not then subjected to further curation. The score for this variant resulted in a classification of benign for this disease.

Illumina Laboratory Services, Illumina
Classification: Benign for Paroxysmal extreme pain disorder. Last evaluated: 2018-01-12. Review status: criteria provided, single submitter. Criteria: ICSL Variant Classification Criteria 13 December 2019. Collection method: clinical testing. Allele origin: germline.
Comment: the same text as in the submission from Illumina Laboratory Services, Illumina above.

Illumina Laboratory Services, Illumina
Classification: Benign for Channelopathy-associated congenital insensitivity to pain, autosomal recessive. Last evaluated: 2018-01-12. Review status: criteria provided, single submitter. Criteria: ICSL Variant Classification Criteria 13 December 2019. Collection method: clinical testing. Allele origin: germline.
Comment: the same text as in the submission from Illumina Laboratory Services, Illumina above.

Breakthrough Genomics
Classification: Benign. Review status: criteria provided, single submitter. Criteria: ACMG Guidelines, 2015. Collection method: not provided. Allele origin: germline. Inheritance: Autosomal recessive inheritance. Affected: yes.

NM_001365536.1(SCN9A):c.*2854T>C

Genes: SCN9A (sodium voltage-gated channel alpha subunit 9; minus strand), SCN1A-AS1 (SCN1A and SCN9A antisense RNA 1; plus strand). Cytogenetic location: 2q24.3.
Variant type: single nucleotide variant.
Coding change: c.*2854T>C on transcript NM_001365536.1 (MANE Select); 2854 bases downstream of the stop codon, T replaced by C.
Molecular consequence: 3 prime UTR variant.
Genome position (GRCh38, 1-based): chr2:166,195,818, A>G on the plus strand (T>C on the coding strand, the complement: SCN9A is on the minus strand). VCF-style: chr2-166195818-A-G. GRCh37 (hg19) VCF-style: chr2-167052328-A-G.
Other names: c.*2854T>C (NM_002977.4).
Identifiers: ClinVar variation 331903 (VCV000331903.7), dbSNP rs73017538, ClinGen allele CA10611585.
Genomic context (GRCh38, chr2:166,195,818, plus strand): 5'-TCAAACCTGTTTGGGGCATGGTGGCTCATGCCTGTAACCCCAGCATGTTGGCAGGTCATG[A>G]CAGTAGGAACACTTGAAGCCAGGAGTTTGAGACTAGCCTGGGCAACATAGCAAGACCCCT-3'